The following is an entry in ClinVar:

ClinVar aggregate classification (germline): Pathogenic. Review status: criteria provided, multiple submitters, no conflicts (2 of 4 stars). 2 submissions from 2 submitters: Pathogenic (2). Last evaluated 2026-06-10.

Conditions:
Inborn genetic diseases. Identifiers: MedGen C0950123, MeSH D030342.
Tumor predisposition syndrome 2 (TPDS2). Also called: MBD4-ASSOCIATED NEOPLASIA SYNDROME; MBD4-Related Tumor Predisposition Syndrome; MBD4-associated neoplasia syndrome (MANS). Identifiers: Orphanet 661526, MedGen C5774186, MONDO:0859267, OMIM 619975.

gnomAD v4.1: 8 of 1,614,082 alleles (0.0005%); highest among the groups gnomAD compares: Non-Finnish European, 0.00068%; no homozygotes.

Submissions (2):

Myriad Genetics, Inc.
Classification: Pathogenic for Tumor predisposition syndrome 2. Last evaluated: 2026-06-10. Review status: criteria provided, single submitter. Criteria: Myriad Autosomal Dominant, Autosomal Recessive and X-Linked Classification Criteria (2023). Collection method: clinical testing. Allele origin: unknown.
Comment: This variant is considered pathogenic. This variant creates a termination codon and is predicted to result in premature protein truncation.

Ambry Genetics
Classification: Pathogenic for Inborn genetic diseases. Last evaluated: 2025-12-03. Review status: criteria provided, single submitter. Criteria: Ambry Variant Classification Scheme 2023. Collection method: clinical testing. Allele origin: germline.
Comment: The p.S255* pathogenic mutation (also known as c.764C>A), located in coding exon 3 of the MBD4 gene, results from a C to A substitution at nucleotide position 764. This changes the amino acid from a serine to a stop codon within coding exon 3. This variant is considered to be rare based on population cohorts in the Genome Aggregation Database (gnomAD). This alteration is expected to result in loss of function by premature protein truncation or nonsense-mediated mRNA decay. As such, this alteration is interpreted as a disease-causing mutation.

NM_001276270.2(MBD4):c.764C>A (p.Ser255Ter)

Gene: MBD4 (methyl-CpG binding domain 4, DNA glycosylase; minus strand). Cytogenetic location: 3q21.3.
Variant type: single nucleotide variant.
Coding change: c.764C>A on transcript NM_001276270.2 (MANE Select); coding-DNA position 764, C replaced by A.
Protein change: p.Ser255Ter; replaces serine 255 with a stop codon.
Molecular consequence: nonsense. On other transcripts: intron variant (1).
Genome position (GRCh38, 1-based): chr3:129,436,880, G>T on the plus strand (C>A on the coding strand, the complement: MBD4 is on the minus strand). VCF-style: chr3-129436880-G-T. GRCh37 (hg19) VCF-style: chr3-129155723-G-T.
Other names: c.764C>A, p.Ser255Ter (NM_001276271.2, NM_001276272.2, NM_003925.3); c.247+928C>A (NM_001276273.2); short protein forms S255*.
Identifiers: ClinVar variation 4624434 (VCV004624434.2).